The following is an entry in ClinVar:

ClinVar aggregate classification (germline): Conflicting classifications of pathogenicity. Review status: criteria provided, conflicting classifications (1 of 4 stars). 2 submissions from 2 submitters: Uncertain significance (1); Likely benign (1). Last evaluated 2026-05-29.

Conditions:
Hereditary cancer-predisposing syndrome. Also called: Tumor predisposition; Neoplastic Syndromes, Hereditary; Hereditary Cancer Syndrome; Hereditary neoplastic syndrome. Identifiers: Orphanet 140162, MedGen C0027672, MeSH D009386, MONDO:0015356.
Gastrointestinal stromal tumor. Also called: Gastrointestinal stromal tumor, somatic; Gastrointestinal stroma tumor. Identifiers: Orphanet 44890, MedGen C0238198, MeSH D046152, MONDO:0011719, OMIM 606764, HP:0100723.

Allele frequency attached by ClinVar (database versions not stated): gnomAD exomes below 0.00001; ExAC 0.00001; gnomAD 0.00001.
gnomAD v4.1: 4 of 1,613,998 alleles (0.00025%); highest among the groups gnomAD compares: Middle Eastern, 0.016%; no homozygotes.

Submissions (2):

Ambry Genetics
Classification: Likely benign for Hereditary cancer-predisposing syndrome. Last evaluated: 2026-05-29. Review status: criteria provided, single submitter. Criteria: Ambry Variant Classification Scheme 2023. Collection method: clinical testing. Allele origin: germline.

Labcorp Genetics (formerly Invitae), Labcorp
Classification: Uncertain significance for Gastrointestinal stromal tumor. Last evaluated: 2025-05-18. Review status: criteria provided, single submitter. Criteria: Invitae Variant Classification Sherloc (09022015). Collection method: clinical testing. Allele origin: germline.
Comment: This sequence change replaces asparagine, which is neutral and polar, with serine, which is neutral and polar, at codon 945 of the KIT protein (p.Asn945Ser). This variant is present in population databases (rs754097617, gnomAD 0.01%). This variant has not been reported in the literature in individuals affected with KIT-related conditions. ClinVar contains an entry for this variant (Variation ID: 1521587). An algorithm developed to predict the effect of missense changes on protein structure and function outputs the following: PolyPhen-2: "Benign". The serine amino acid residue is found in multiple mammalian species, which suggests that this missense change does not adversely affect protein function. In summary, the available evidence is currently insufficient to determine the role of this variant in disease. Therefore, it has been classified as a Variant of Uncertain Significance.

NM_000222.3(KIT):c.2834A>G (p.Asn945Ser)

Gene: KIT (KIT proto-oncogene, receptor tyrosine kinase; plus strand). Cytogenetic location: 4q12.
Variant type: single nucleotide variant.
Coding change: c.2834A>G on transcript NM_000222.3 (MANE Select); coding-DNA position 2834, A replaced by G.
Protein change: p.Asn945Ser; replaces asparagine 945 with serine.
Molecular consequence: missense variant.
Genome position (GRCh38, 1-based): chr4:54,738,460, A>G. VCF-style: chr4-54738460-A-G. GRCh37 (hg19) VCF-style: chr4-55604626-A-G.
Other names: c.2834A>G (NM_000222.2); c.2822A>G, p.Asn941Ser (NM_001093772.2, NM_001385292.1); c.2837A>G, p.Asn946Ser (NM_001385284.1); c.2831A>G, p.Asn944Ser (NM_001385285.1); c.2819A>G, p.Asn940Ser (NM_001385286.1); c.2825A>G, p.Asn942Ser (NM_001385288.1); c.2834A>G, p.Asn945Ser (NM_001385290.1); short protein forms N944S, N945S, N940S, N946S, N941S, N942S.
Identifiers: ClinVar variation 1521587 (VCV001521587.9), dbSNP rs754097617, ClinGen allele CA2923878.